The following is an entry in ClinVar:

ClinVar aggregate classification (germline): Conflicting classifications of pathogenicity. Review status: criteria provided, conflicting classifications (1 of 4 stars). 2 submissions from 2 submitters: Pathogenic (1); Uncertain significance (1). Last evaluated 2025-09-02.

Conditions:
Spastic paraplegia. Identifiers: MedGen C0037772, HP:0001258.
Hereditary spastic paraplegia 5A (SPG5A). Also called: SPASTIC PARAPLEGIA 5A, AUTOSOMAL RECESSIVE. Identifiers: Orphanet 100986, MedGen C1849115, MONDO:0010047, OMIM 270800.

Allele frequency attached by ClinVar (database versions not stated): gnomAD exomes below 0.00001.

Submissions (2):

Labcorp Genetics (formerly Invitae), Labcorp
Classification: Pathogenic for Spastic paraplegia. Last evaluated: 2025-09-02. Review status: criteria provided, single submitter. Criteria: Invitae Variant Classification Sherloc (09022015). Collection method: clinical testing. Allele origin: germline.
Comment: This sequence change replaces histidine, which is basic and polar, with arginine, which is basic and polar, at codon 401 of the CYP7B1 protein (p.His401Arg). This variant is present in population databases (no rsID available, gnomAD 0.0009%). This missense change has been observed in individual(s) with autosomal recessive hereditary spastic paraplegia (PMID: 24641183, 37712079; internal data). In at least one individual the data is consistent with being in trans (on the opposite chromosome) from a pathogenic variant. ClinVar contains an entry for this variant (Variation ID: 640715). Invitae Evidence Modeling of protein sequence and biophysical properties (such as structural, functional, and spatial information, amino acid conservation, physicochemical variation, residue mobility, and thermodynamic stability) indicates that this missense variant is expected to disrupt CYP7B1 protein function with a positive predictive value of 95%. For these reasons, this variant has been classified as Pathogenic.

Clinical Omics and Informatics (COIN) Unit, Neuroscience Institute, University Of Cape Town
Classification: Uncertain significance for Hereditary spastic paraplegia 5A. Last evaluated: 2024-05-22. Review status: criteria provided, single submitter. Criteria: ACMG Guidelines, 2015. Collection method: research. Allele origin: germline. Inheritance: Autosomal recessive inheritance. Affected: yes. Observed: 2 variant alleles, 2 heterozygotes.
Comment: PM2_supporting: The highest population allele frequency in gnomAD v4.0. is 0.00003311 (0.003%; 2/60396 alleles in Remaining populations). PM3_supporting: 0.5 points awarded for observation of variant with pathogenic CYP7B1 R112X variant but not confirmed In trans (PMID: 24641183). PP3_moderate: REVEL score is 0.911. PS4 not evaluated as literature proband already counted under PM3. Sequencing funded by the Clinical Research in ALS and Related Disorders for Therapeutic Development (CReATe) Consortium: (1 proband) and the International Centre for Genomic Medicine in Neuromuscular Diseases (ICGNMD): (1 proband).

Literature cited by the submitters: PubMed 24641183 (cited by Labcorp Genetics (formerly Invitae), Labcorp and Clinical Omics and Informatics (COIN) Unit, Neuroscience Institute, University Of Cape Town); PubMed 37712079 (cited by Labcorp Genetics (formerly Invitae), Labcorp and Clinical Omics and Informatics (COIN) Unit, Neuroscience Institute, University Of Cape Town).

NM_004820.5(CYP7B1):c.1202A>G (p.His401Arg)

Gene: CYP7B1 (cytochrome P450 family 7 subfamily B member 1; minus strand). Cytogenetic location: 8q12.3.
Variant type: single nucleotide variant.
Coding change: c.1202A>G on transcript NM_004820.5 (MANE Select); coding-DNA position 1202, A replaced by G.
Protein change: p.His401Arg; replaces histidine 401 with arginine.
Molecular consequence: missense variant.
Genome position (GRCh38, 1-based): chr8:64,604,713, T>C on the plus strand (A>G on the coding strand, the complement: CYP7B1 is on the minus strand). VCF-style: chr8-64604713-T-C. GRCh37 (hg19) VCF-style: chr8-65517270-T-C.
Other names: c.1202A>G, p.His401Arg (NM_001324112.2); short protein forms H401R.
Identifiers: ClinVar variation 640715 (VCV000640715.23), dbSNP rs1467815062, ClinGen allele CA371334056.